The following is an entry in ClinVar:

ClinVar aggregate classification (germline): Likely benign (1 of 4 stars; one submission).

Allele frequency attached by ClinVar (database versions not stated): ExAC 0.00002; TOPMed 0.00005; gnomAD exomes 0.00006.
gnomAD v4.1: 93 of 1,614,056 alleles (0.0058%); highest among the groups gnomAD compares: Non-Finnish European, 0.0065%; 1 homozygote.

Submission:

CeGaT Center for Human Genetics Tuebingen
Classification: Likely benign. Last evaluated: 2022-07-01. Review status: criteria provided, single submitter. Criteria: CeGaT Center For Human Genetics Tuebingen Variant Classification Criteria Version 2. Collection method: clinical testing. Allele origin: germline. Affected: yes. Observed: 1 variant allele.
Comment: ZNF462: BP4

NM_021224.6(ZNF462):c.928C>T (p.Arg310Trp)

Gene: ZNF462 (zinc finger protein 462; plus strand). Cytogenetic location: 9q31.2.
Variant type: single nucleotide variant.
Coding change: c.928C>T on transcript NM_021224.6 (MANE Select); coding-DNA position 928, C replaced by T.
Protein change: p.Arg310Trp; replaces arginine 310 with tryptophan.
Molecular consequence: missense variant.
Genome position (GRCh38, 1-based): chr9:106,924,840, C>T. VCF-style: chr9-106924840-C-T. GRCh37 (hg19) VCF-style: chr9-109687121-C-T.
Other names: c.928C>T, p.Arg310Trp (NM_001347997.2); short protein forms R310W.
Identifiers: ClinVar variation 2659366 (VCV002659366.24), dbSNP rs200116056, ClinGen allele CA5171241.
Genomic context (GRCh38, chr9:106,924,840, plus strand): 5'-AACAAGAGTGCCCCCAGCCCCACTTCCAACTCCACCTATCTGACCATGAATGCTGCAAGC[C>T]GGGAGATACCCAATACTACCGTCTCCAACTTCAGGGGCTCCATGGGCAACTCCATCATGA-3'
Protein context (NP_067047.4, residues 300-320): STYLTMNAAS[Arg310Trp]EIPNTTVSNF